The following is an entry in ClinVar:

NM_001371928.1(AHDC1):c.3820G>A (p.Gly1274Arg)

Gene: AHDC1 (AT-hook DNA binding motif containing 1; minus strand). Cytogenetic location: 1p36.11.
Variant type: single nucleotide variant.
Coding change: c.3820G>A on transcript NM_001371928.1 (MANE Select); coding-DNA position 3820, G replaced by A.
Protein change: p.Gly1274Arg; replaces glycine 1274 with arginine.
Molecular consequence: missense variant.
Genome position (GRCh38, 1-based): chr1:27,548,296, C>T on the plus strand (G>A on the coding strand, the complement: AHDC1 is on the minus strand). VCF-style: chr1-27548296-C-T. GRCh37 (hg19) VCF-style: chr1-27874807-C-T.
Other names: c.3820G>A, p.Gly1274Arg (NM_001029882.3); c.-224G>A (NM_015699.1); short protein forms G1274R.
Identifiers: ClinVar variation 1709901 (VCV001709901.1), dbSNP rs2521842059, ClinGen allele CA339225081.
Genomic context (GRCh38, chr1:27,548,296, plus strand): 5'-TGGCTTTGGCCGCTGCGCCACCCCGCTCCTTCTTGGCTGAGCAGGCCCCACCGCCCCGTC[C>T]ACCTCGCGGCTGCCGGGGCCCAGTGCTCCGTTTGGATGGGTAGCCTGAGGCAGCGGCAGA-3'
Protein context (NP_001358857.1, residues 1264-1284): RSTGPRQPRG[Gly1274Arg]RGGGACSAKK

ClinVar aggregate classification (germline): Uncertain significance (1 of 4 stars; one submission).

Conditions:
AHDC1-related intellectual disability - obstructive sleep apnea - mild dysmorphism syndrome. Also called: Xia-Gibbs syndrome. Identifiers: Orphanet 412069, MedGen C4014419, MONDO:0014358, OMIM 615829.

Submission:

MGZ Medical Genetics Center
Classification: Uncertain significance for AHDC1-related intellectual disability - obstructive sleep apnea - mild dysmorphism syndrome. Last evaluated: 2021-07-23. Review status: criteria provided, single submitter. Criteria: ACMG Guidelines, 2015. Collection method: clinical testing. Allele origin: germline. Affected: yes. Observed: 1 variant allele.
Comment: ACMG criteria applied: PS2, PM2_SUP